The following is an entry in ClinVar:

NM_078480.3(PUF60):c.1108del (p.Ala370fs)

Gene: PUF60 (poly(U) binding splicing factor 60; minus strand). Cytogenetic location: 8q24.3.
Variant type: Deletion.
Coding change: c.1108del on transcript NM_078480.3 (MANE Select); coding-DNA position 1108, one base deleted (G; older notation c.1108delG).
Protein change: p.Ala370fs; shifts the reading frame from alanine 370.
Molecular consequence: frameshift variant.
Genome position (GRCh38, 1-based): chr8:143,817,367, C deleted on the plus strand (G on the coding strand, the reverse complement: PUF60 is on the minus strand); the first of 2 consecutive C bases (chr8:143,817,367-143,817,368); deleting either gives the same sequence. VCF-style (leftmost placement, unchanged base first): chr8-143817366-GC-G. GRCh37 (hg19) VCF-style: chr8-144899536-GC-G.
Other names: c.970del, p.Ala324fs (NM_001271097.2); c.1105del, p.Ala369fs (NM_001271098.2); c.1021del, p.Ala341fs (NM_001271099.2); c.928del, p.Ala310fs (NM_001271100.2); c.1219del, p.Ala407fs (NM_001362895.2, NM_001362896.2); c.1168del, p.Ala390fs (NM_001362897.2); c.1057del, p.Ala353fs (NM_014281.5); c.979del, p.Ala327fs (NM_001136033.3); and 1 more; short protein forms A310fs, A324fs, A327fs, A341fs, A352fs, A353fs, A369fs, A370fs.
Identifiers: ClinVar variation 4076302 (VCV004076302.1).
Genomic context (GRCh38, chr8:143,817,366, plus strand): 5'-GGATCTGGTACCACTTAAGACTCACCTGTGATGACTCCAGGTGCCTGGGCAGCCATGACA[GC>G]CTGGGGCAAAGTGCCCAGGGGCTGGGCCAGGGTCAGTGCTGGGGACACCAGTCCAGGTGT-3'

ClinVar aggregate classification (germline): Likely pathogenic (1 of 4 stars; one submission).

Conditions:
8q24.3 microdeletion syndrome. Also called: CHROMOSOME 8q24.3 DELETION SYNDROME; Verheij syndrome. Identifiers: Orphanet 508488, MedGen C3810023, MONDO:0014263, OMIM 615583.

Submission:

Laboratorio de Genetica e Diagnostico Molecular, Hospital Israelita Albert Einstein
Classification: Likely pathogenic for 8q24.3 microdeletion syndrome. Last evaluated: 2025-04-30. Review status: criteria provided, single submitter. Criteria: ACMG Guidelines, 2015. Collection method: clinical testing. Allele origin: germline. Affected: yes.
Comment: ACMG classification criteria: PVS1 very strong, PM2 supporting